The following is an entry in ClinVar:

ClinVar aggregate classification (germline): Uncertain significance (1 of 4 stars; one submission).

Submission:

GeneDx
Classification: Uncertain significance. Last evaluated: 2024-04-17. Review status: criteria provided, single submitter. Criteria: GeneDx Variant Classification Process June 2021. Collection method: clinical testing. Allele origin: germline. Affected: yes.
Comment: Not observed at significant frequency in large population cohorts (gnomAD); In silico analysis indicates that this missense variant does not alter protein structure/function; Has not been previously published as pathogenic or benign to our knowledge

NM_001287491.2(TET3):c.518C>T (p.Pro173Leu)

Gene: TET3 (tet methylcytosine dioxygenase 3; plus strand). Cytogenetic location: 2p13.1.
Variant type: single nucleotide variant.
Coding change: c.518C>T on transcript NM_001287491.2 (MANE Select); coding-DNA position 518, C replaced by T.
Protein change: p.Pro173Leu; replaces proline 173 with leucine.
Molecular consequence: missense variant.
Genome position (GRCh38, 1-based): chr2:74,046,435, C>T. VCF-style: chr2-74046435-C-T. GRCh37 (hg19) VCF-style: chr2-74273562-C-T.
Other names: c.239C>T, p.Pro80Leu (NM_001366022.1); short protein forms P173L, P80L.
Identifiers: ClinVar variation 3372618 (VCV003372618.1).